The following is an entry in ClinVar:

NM_001127511.3(APC):c.165+20389G>C

Gene: APC (APC regulator of Wnt signaling pathway; plus strand). Cytogenetic location: 5q22.2.
Variant type: single nucleotide variant.
Coding change: c.165+20389G>C on transcript NM_001127511.3; 20389 bases into the intron after coding-DNA position 165, G replaced by C.
Molecular consequence: intron variant.
Genome position (GRCh38, 1-based): chr5:112,728,271, G>C. VCF-style: chr5-112728271-G-C. GRCh37 (hg19) VCF-style: chr5-112063968-G-C.
Other names: c.-1054+20389G>C (NM_001407470.1, NM_001407472.1); c.-19+20389G>C (NM_001407447.1, NM_001354895.2, NM_001407456.1 and 3 more transcripts); c.165+20389G>C (NM_001407446.1, NM_001354897.2, NM_001354902.2); c.-19+20622G>C (NM_001407448.1, NM_001407450.1, NM_001407457.1 and 1 more transcripts); c.-43+20622G>C (NM_001407453.1).
Identifiers: ClinVar variation 82702 (VCV000082702.4), dbSNP rs79793039, ClinGen allele CA023476.

ClinVar aggregate classification (germline): other (0 of 4 stars; one submission).

Conditions:
Familial colorectal cancer. Identifiers: MedGen CN280943, MONDO:0023113. Disease mechanism: loss of function.

Submission:

Systems Biology Platform Zhejiang California International NanoSystems Institute
Classification: other for Familial colorectal cancer. Review status: no assertion criteria provided. Collection method: not provided. Allele origin: unknown.
ClinVar note: Converted during submission from cancer to other.